The following is an entry in ClinVar:

ClinVar aggregate classification (germline): Conflicting classifications of pathogenicity. Review status: criteria provided, conflicting classifications (1 of 4 stars). 12 submissions from 11 submitters: Uncertain significance (10); Likely benign (2). Last evaluated 2026-06-01.

Conditions:
Inborn genetic diseases. Identifiers: MedGen C0950123, MeSH D030342.
Charcot-Marie-Tooth disease type 4C (CMT4C). Also called: Charcot-Marie-Tooth Neuropathy Type 4C (CMT4C); CHARCOT-MARIE-TOOTH DISEASE, DEMYELINATING, TYPE 4C; CMT 4C; SH3TC2-Related Hereditary Motor and Sensory Neuropathy; CHARCOT-MARIE-TOOTH DISEASE, DEMYELINATING, AUTOSOMAL RECESSIVE, TYPE 4C. Identifiers: Orphanet 99949, MedGen C1866636, MONDO:0011113, OMIM 601596.
Susceptibility to mononeuropathy of the median nerve, mild. Also called: CARPAL TUNNEL SYNDROME, SUSCEPTIBILITY TO. Identifiers: MedGen C3150596, MONDO:0013237, OMIM 613353.
SH3TC2-related disorder. Also called: SH3TC2-related disorders; SH3TC2-related condition. Identifiers: MedGen CN239303.
Charcot-Marie-Tooth disease. Also called: Charcot-Marie-Tooth Neuropathy; Charcot-Marie-Tooth Hereditary Neuropathy. Identifiers: Orphanet 166, MedGen C0007959, MONDO:0015626.
Charcot-Marie-Tooth disease type 4. Also called: Charcot-Marie-Tooth disease, type IV; Charcot-Marie-Tooth, Type 4. Identifiers: Orphanet 64749, MedGen C4082197, MONDO:0018995.

Allele frequency attached by ClinVar (database versions not stated): ExAC 0.00016; gnomAD exomes 0.00021; ESP Exome Variant Server 0.00023; gnomAD 0.00026 and 0.00028; TOPMed 0.00029.
gnomAD v4.1: 819 of 1,614,008 alleles (0.051%); highest among the groups gnomAD compares: Non-Finnish European, 0.066%; 1 homozygote.

Submissions (12):

CeGaT Center for Human Genetics Tuebingen
Classification: Likely benign. Last evaluated: 2026-06-01. Review status: criteria provided, single submitter. Criteria: CeGaT Center For Human Genetics Tuebingen Variant Classification Criteria Version 2. Collection method: clinical testing. Allele origin: germline. Affected: yes. Observed: 3 variant alleles.
Comment: SH3TC2: BP4

PreventionGenetics, part of Exact Sciences
Classification: Uncertain significance for SH3TC2-related condition. Last evaluated: 2026-03-26. Review status: criteria provided, single submitter. Criteria: ACMG Guidelines, 2015. Collection method: clinical testing. Allele origin: germline.
Comment: The SH3TC2 c.751C>T variant is predicted to result in the amino acid substitution p.Pro251Ser. This variant was reported in three individuals with Charcot-Marie-Tooth disease (Table S2, Volodarsky et al. 2021. PubMed ID: 32376792) and was also reported in a cancer patient with low or no neuropathy development after paclitaxel treatment (Table 3, Apellániz-Ruiz et al. 2016. PubMed ID: 27582484). This variant is reported in 0.038% of alleles in individuals of European (Non-Finnish) descent in gnomAD. At this time, the clinical significance of this variant is uncertain due to the absence of conclusive functional and genetic evidence.

Labcorp Genetics (formerly Invitae), Labcorp
Classification: Likely benign for Charcot-Marie-Tooth disease type 4. Last evaluated: 2026-01-07. Review status: criteria provided, single submitter. Criteria: Invitae Variant Classification Sherloc (09022015). Collection method: clinical testing. Allele origin: germline.

Blueprint Genetics
Classification: Uncertain significance. Last evaluated: 2024-10-16. Review status: criteria provided, single submitter. Criteria: ACMG Guidelines, 2015. Collection method: clinical testing. Allele origin: germline.

Mayo Clinic Laboratories, Mayo Clinic
Classification: Uncertain significance. Last evaluated: 2024-08-09. Review status: criteria provided, single submitter. Criteria: ACMG Guidelines, 2015. Collection method: clinical testing. Allele origin: germline. Observed: 1 variant allele.
Comment: BP4

ARUP Laboratories, Molecular Genetics and Genomics, ARUP Laboratories
Classification: Uncertain significance. Last evaluated: 2023-09-27. Review status: criteria provided, single submitter. Criteria: ARUP Molecular Germline Variant Investigation Process 2024. Collection method: clinical testing. Allele origin: germline.
Comment: The SH3TC2 c.751C>T; p.Pro251Ser variant (rs144963732), to our knowledge, is not reported in the medical literature, gene specific variation databases, nor has it been previously identified by our laboratory. This variant is listed in the genome Aggregation Database (gnomAD) with a non-Finnish European population frequency of 0.04% (identified on 48 out of 126,674 chromosomes). The proline at position 251 is highly conserved, considering 8 species, and computational analyses of the effects of the p.Pro251Ser variant on protein structure and function make conflicting predictions (SIFT: tolerated, MutationTaster: disease causing, PolyPhen-2: benign). Based on all available evidence, the clinical significance of the p.Pro251Ser variant cannot be determined with certainty.

Athena Diagnostics
Classification: Uncertain significance. Last evaluated: 2022-08-09. Review status: criteria provided, single submitter. Criteria: Athena Diagnostics Criteria. Collection method: clinical testing. Allele origin: unknown.

Ambry Genetics
Classification: Uncertain significance for Inborn genetic diseases. Last evaluated: 2022-05-11. Review status: criteria provided, single submitter. Criteria: Ambry Variant Classification Scheme 2023. Collection method: clinical testing. Allele origin: germline.
Comment: The p.P251S variant (also known as c.751C>T), located in coding exon 7 of the SH3TC2 gene, results from a C to T substitution at nucleotide position 751. The proline at codon 251 is replaced by serine, an amino acid with similar properties. This amino acid position is well conserved in available vertebrate species. In addition, this alteration is predicted to be tolerated by in silico analysis. Since supporting evidence is limited at this time, the clinical significance of this alteration remains unclear.

GeneDx
Classification: Uncertain significance. Last evaluated: 2018-06-21. Review status: criteria provided, single submitter. Criteria: GeneDx Variant Classification (06012015). Collection method: clinical testing. Allele origin: germline. Affected: yes.
Comment: A variant of uncertain significance has been identified in the SH3TC2 gene. The P251S variant has not been published as a pathogenic variant, nor has it been reported as a benign variant to our knowledge. The P251S variant is observed in 17/66,674 (0.03%) alleles from individuals of European background (Lek et al., 2016; 1000 Genomes Consortium et al., 2015; Exome Variant Server). The P251S variant is a non-conservative amino acid substitution, which is likely to impact secondary protein structure as these residues differ in polarity, charge, size and/or other properties. This substitution occurs at a position that is conserved across species. In silico analysis is inconsistent in its predictions as to whether or not the variant is damaging to the protein structure/function. Based on the currently available information, it is unclear whether this variant is a pathogenic variant or a rare benign variant.

Illumina Laboratory Services, Illumina
Classification: Uncertain significance for Susceptibility to mononeuropathy of the median nerve, mild. Last evaluated: 2018-01-13. Review status: criteria provided, single submitter. Criteria: ICSL Variant Classification Criteria 13 December 2019. Collection method: clinical testing. Allele origin: germline.

Illumina Laboratory Services, Illumina
Classification: Uncertain significance for Charcot-Marie-Tooth disease type 4C. Last evaluated: 2018-01-13. Review status: criteria provided, single submitter. Criteria: ICSL Variant Classification Criteria 13 December 2019. Collection method: clinical testing. Allele origin: germline.

Molecular Genetics Laboratory, London Health Sciences Centre
Classification: Uncertain significance for Charcot-Marie-Tooth disease. Review status: criteria provided, single submitter. Criteria: ACMG Guidelines, 2015. Collection method: clinical testing. Allele origin: germline. Affected: yes.

Literature cited by the submitters: PubMed 32376792 (cited by Mayo Clinic Laboratories, Mayo Clinic); PubMed 27582484 (cited by Athena Diagnostics).

NM_024577.4(SH3TC2):c.751C>T (p.Pro251Ser)

Gene: SH3TC2 (SH3 domain and tetratricopeptide repeats 2; minus strand). Cytogenetic location: 5q32.
Variant type: single nucleotide variant.
Coding change: c.751C>T on transcript NM_024577.4 (MANE Select); coding-DNA position 751, C replaced by T.
Protein change: p.Pro251Ser; replaces proline 251 with serine.
Molecular consequence: missense variant.
Genome position (GRCh38, 1-based): chr5:149,040,658, G>A on the plus strand (C>T on the coding strand, the complement: SH3TC2 is on the minus strand). VCF-style: chr5-149040658-G-A. GRCh37 (hg19) VCF-style: chr5-148420221-G-A.
Other names: short protein forms P251S.
Identifiers: ClinVar variation 374659 (VCV000374659.69), dbSNP rs144963732, ClinGen allele CA3499401.
Genomic context (GRCh38, chr5:149,040,658, plus strand): 5'-CCATACCAATCTGATAGGAGCCTGTCCAATCCCTCTTCCTGGAAAGGCCACAGCTTCCTG[G>A]ATAATTCTTTAGGAACCACCTGCCAATGAAAACATGGGGTTTGCAAACACAGATTTCAAA-3'
Protein context (NP_078853.2, residues 241-261): PFHQWFLKNY[Pro251Ser]GSCGLSRKRD